The following is an entry in ClinVar:

ClinVar aggregate classification (germline): Pathogenic (1 of 4 stars; one submission).

Submission:

Labcorp Genetics (formerly Invitae), Labcorp
Classification: Pathogenic. Last evaluated: 2021-05-19. Review status: criteria provided, single submitter. Criteria: Invitae Variant Classification Sherloc (09022015). Collection method: clinical testing. Allele origin: germline.
Comment: For these reasons, this variant has been classified as Pathogenic. Algorithms developed to predict the effect of sequence changes on RNA splicing suggest that this variant may create or strengthen a splice site, but this prediction has not been confirmed by published transcriptional studies. This variant has not been reported in the literature in individuals with CTSK-related conditions. ClinVar contains an entry for this variant (Variation ID: 1073384). This variant is not present in population databases (ExAC no frequency). This sequence change creates a premature translational stop signal (p.Ser144Leufs*17) in the CTSK gene. It is expected to result in an absent or disrupted protein product. Loss-of-function variants in CTSK are known to be pathogenic (PMID: 12125807, 21569238).

Literature cited by the submitters: PubMed 12125807; PubMed 21569238.

NM_000396.4(CTSK):c.429del (p.Ser144fs)

Gene: CTSK (cathepsin K; minus strand). Cytogenetic location: 1q21.3.
Variant type: Deletion.
Coding change: c.429del on transcript NM_000396.4 (MANE Select); coding-DNA position 429, one base deleted (C; older notation c.429delC).
Protein change: p.Ser144fs; shifts the reading frame from serine 144.
Molecular consequence: frameshift variant.
Genome position (GRCh38, 1-based): chr1:150,804,210, G deleted on the plus strand (C on the coding strand, the reverse complement: CTSK is on the minus strand). VCF-style (leftmost placement, unchanged base first): chr1-150804209-AG-A. GRCh37 (hg19) VCF-style: chr1-150776685-AG-A.
Other names: short protein forms S144fs.
Identifiers: ClinVar variation 1073384 (VCV001073384.7), dbSNP rs2101951646, ClinGen allele CA2499214168.